The following is an entry in ClinVar:

ClinVar aggregate classification (germline): Uncertain significance (1 of 4 stars; one submission).

Conditions:
Sulfite oxidase deficiency due to molybdenum cofactor deficiency type C. Also called: Molybdenum cofactor deficiency, complementation group C; Molybdenum cofactor deficiency C. Identifiers: Orphanet 308400, Orphanet 833, MedGen C1854990, MONDO:0014212, OMIM 615501.

Allele frequency attached by ClinVar (database versions not stated): ExAC 0.00001; gnomAD exomes 0.00001.
gnomAD v4.1: 1 of 1,613,532 alleles (0.000062%); highest among the groups gnomAD compares: Non-Finnish European, 0.000085%; no homozygotes.

Submission:

Labcorp Genetics (formerly Invitae), Labcorp
Classification: Uncertain significance for Sulfite oxidase deficiency due to molybdenum cofactor deficiency type C. Last evaluated: 2022-10-01. Review status: criteria provided, single submitter. Criteria: Invitae Variant Classification Sherloc (09022015). Collection method: clinical testing. Allele origin: germline.
Comment: This variant is present in population databases (rs778043539, gnomAD 0.007%). In summary, the available evidence is currently insufficient to determine the role of this variant in disease. Therefore, it has been classified as a Variant of Uncertain Significance. Advanced modeling of protein sequence and biophysical properties (such as structural, functional, and spatial information, amino acid conservation, physicochemical variation, residue mobility, and thermodynamic stability) performed at Invitae indicates that this missense variant is not expected to disrupt GPHN protein function. ClinVar contains an entry for this variant (Variation ID: 1488068). This variant has not been reported in the literature in individuals affected with GPHN-related conditions. This sequence change replaces valine, which is neutral and non-polar, with methionine, which is neutral and non-polar, at codon 179 of the GPHN protein (p.Val179Met).

NM_020806.5(GPHN):c.535G>A (p.Val179Met)

Gene: GPHN (gephyrin; plus strand). Cytogenetic location: 14q23.3.
Variant type: single nucleotide variant.
Coding change: c.535G>A on transcript NM_020806.5 (MANE Select); coding-DNA position 535, G replaced by A.
Protein change: p.Val179Met; replaces valine 179 with methionine.
Molecular consequence: missense variant.
Genome position (GRCh38, 1-based): chr14:66,922,744, G>A. VCF-style: chr14-66922744-G-A. GRCh37 (hg19) VCF-style: chr14-67389461-G-A.
Other names: c.535G>A, p.Val179Met (NM_001024218.2, NM_001377515.1, NM_001377516.1 and 2 more transcripts); c.574G>A, p.Val192Met (NM_001377514.1, NM_001377519.1); short protein forms V179M, V192M.
Identifiers: ClinVar variation 1488068 (VCV001488068.8), dbSNP rs778043539, ClinGen allele CA7233779.